The following is an entry in ClinVar:

NM_015154.3(MESD):c.107G>C (p.Gly36Ala)

Genes: MESD (mesoderm development LRP chaperone; minus strand), LOC121530597 (Sharpr-MPRA regulatory region 7880; plus strand). Cytogenetic location: 15q25.1.
Variant type: single nucleotide variant.
Coding change: c.107G>C on transcript NM_015154.3 (MANE Select); coding-DNA position 107, G replaced by C.
Protein change: p.Gly36Ala; replaces glycine 36 with alanine.
Molecular consequence: missense variant. On other transcripts: non-coding transcript variant (2).
Genome position (GRCh38, 1-based): chr15:80,989,685, C>G on the plus strand (G>C on the coding strand, the complement: MESD is on the minus strand). VCF-style: chr15-80989685-C-G. GRCh37 (hg19) VCF-style: chr15-81282026-C-G.
Other names: c.107G>C (NM_015154.1); short protein forms G36A.
Identifiers: ClinVar variation 2194674 (VCV002194674.2), dbSNP rs143990493, ClinGen allele CA7694021.

ClinVar aggregate classification (germline): Uncertain significance. Review status: criteria provided, multiple submitters, no conflicts (2 of 4 stars). 2 submissions from 2 submitters: Uncertain significance (2). Last evaluated 2025-02-10.

Allele frequency attached by ClinVar (database versions not stated): 1000 Genomes Project 0.00020; 1000 Genomes Project 30x 0.00031.
gnomAD v4.1: 113 of 1,612,934 alleles (0.007%); highest among the groups gnomAD compares: African/African-American, 0.072%; no homozygotes.

Submissions (2):

Ambry Genetics
Classification: Uncertain significance. Last evaluated: 2025-02-10. Review status: criteria provided, single submitter. Criteria: Ambry Variant Classification Scheme 2023. Collection method: clinical testing. Allele origin: germline.

Labcorp Genetics (formerly Invitae), Labcorp
Classification: Uncertain significance. Last evaluated: 2022-04-19. Review status: criteria provided, single submitter. Criteria: Invitae Variant Classification Sherloc (09022015). Collection method: clinical testing. Allele origin: germline.
Comment: This sequence change replaces glycine, which is neutral and non-polar, with alanine, which is neutral and non-polar, at codon 36 of the MESDC2 protein (p.Gly36Ala). This variant is present in population databases (rs143990493, gnomAD 0.08%). This variant has not been reported in the literature in individuals affected with MESDC2-related conditions. Algorithms developed to predict the effect of missense changes on protein structure and function (SIFT, PolyPhen-2, Align-GVGD) all suggest that this variant is likely to be tolerated. In summary, the available evidence is currently insufficient to determine the role of this variant in disease. Therefore, it has been classified as a Variant of Uncertain Significance.